The following is an entry in ClinVar:

NM_001613.4(ACTA2):c.258+4T>C

Gene: ACTA2 (actin alpha 2, smooth muscle; minus strand). Cytogenetic location: 10q23.31.
Variant type: single nucleotide variant.
Coding change: c.258+4T>C on transcript NM_001613.4 (MANE Select); 4 bases into the intron after coding-DNA position 258, T replaced by C.
Molecular consequence: intron variant.
Genome position (GRCh38, 1-based): chr10:88,947,254, A>G on the plus strand (T>C on the coding strand, the complement: ACTA2 is on the minus strand). VCF-style: chr10-88947254-A-G. GRCh37 (hg19) VCF-style: chr10-90707011-A-G.
Other names: c.129+1548T>C (NM_001406467.1, NM_001406468.1, NM_001406469.1); c.258+4T>C (NM_001320855.2, NM_001406462.1, NM_001406471.1 and 4 more transcripts).
Identifiers: ClinVar variation 1896629 (VCV001896629.5), dbSNP rs2494570144, ClinGen allele CA2580082259.
Genomic context (GRCh38, chr10:88,947,254, plus strand): 5'-TCTGTATCAGAGAACACAGGGATTATGCATCCTGAGGGCCCAAGCTGCAGCAAACCTCCC[A>G]TACCTTTTCCATGTCGTCCCAGTTGGTGATGATGCCATGTTCTATCGGGTACTTCAGGGT-3'

ClinVar aggregate classification (germline): Uncertain significance (1 of 4 stars; one submission).

Conditions:
Aortic aneurysm, familial thoracic 6 (AAT6). Also called: FAMILIAL THORACIC AORTIC ANEURYSM WITH LIVEDO RETICULARIS AND IRIS FLOCCULI. Identifiers: MedGen C2673186, MONDO:0012730, OMIM 611788.

Allele frequency attached by ClinVar (database versions not stated): gnomAD exomes below 0.00001.
gnomAD v4.1: 1 of 1,613,820 alleles (0.000062%); highest among the groups gnomAD compares: Non-Finnish European, 0.000085%; no homozygotes.

Submission:

Labcorp Genetics (formerly Invitae), Labcorp
Classification: Uncertain significance for Aortic aneurysm, familial thoracic 6. Last evaluated: 2022-03-04. Review status: criteria provided, single submitter. Criteria: Invitae Variant Classification Sherloc (09022015). Collection method: clinical testing. Allele origin: germline.
Comment: This sequence change falls in intron 3 of the ACTA2 gene. It does not directly change the encoded amino acid sequence of the ACTA2 protein. It affects a nucleotide within the consensus splice site. This variant is not present in population databases (gnomAD no frequency). This variant has not been reported in the literature in individuals affected with ACTA2-related conditions. Variants that disrupt the consensus splice site are a relatively common cause of aberrant splicing (PMID: 17576681, 9536098). Algorithms developed to predict the effect of sequence changes on RNA splicing suggest that this variant is not likely to affect RNA splicing. In summary, the available evidence is currently insufficient to determine the role of this variant in disease. Therefore, it has been classified as a Variant of Uncertain Significance.

Literature cited by the submitters: PubMed 17576681; PubMed 9536098.